The following is an entry in ClinVar:

NM_197968.4(ZMYM2):c.3119dup (p.Ser1041fs)

Gene: ZMYM2 (zinc finger MYM-type containing 2; plus strand). Cytogenetic location: 13q12.11.
Variant type: Duplication.
Coding change: c.3119dup on transcript NM_197968.4 (MANE Select); coding-DNA position 3119, one base duplicated (G; older notation c.3119dupG).
Protein change: p.Ser1041fs; shifts the reading frame from serine 1041.
Molecular consequence: frameshift variant. On other transcripts: non-coding transcript variant (1).
Genome position (GRCh38, 1-based): chr13:20,064,532, G duplicated. VCF-style (leftmost placement, unchanged base first): chr13-20064531-C-CG. GRCh37 (hg19) VCF-style: chr13-20638671-C-CG.
Other names: c.3119dup, p.Ser1041fs (NM_001190964.4, NM_001190965.4, NM_001353157.2 and 5 more transcripts); c.2924dup, p.Ser976fs (NM_001353161.3); c.2858dup, p.Ser954fs (NM_001353163.2); short protein forms S1041fs, S954fs, S976fs.
Identifiers: ClinVar variation 1310444 (VCV001310444.4), dbSNP rs2140851633, ClinGen allele CA2573053785.

ClinVar aggregate classification (germline): Pathogenic (1 of 4 stars; one submission).

Submission:

GeneDx
Classification: Pathogenic. Last evaluated: 2023-01-25. Review status: criteria provided, single submitter. Criteria: GeneDx Variant Classification Process June 2021. Collection method: clinical testing. Allele origin: germline. Affected: yes.
Comment: Frameshift variant predicted to result in protein truncation or nonsense mediated decay in a gene for which loss of function is a known mechanism of disease; Not observed in large population cohorts (gnomAD); Has not been previously published as pathogenic or benign to our knowledge